The following is an entry in ClinVar:

NM_018718.3(CEP41):c.653A>G (p.His218Arg)

Gene: CEP41 (centrosomal protein 41; minus strand). Cytogenetic location: 7q32.2.
Variant type: single nucleotide variant.
Coding change: c.653A>G on transcript NM_018718.3 (MANE Select); coding-DNA position 653, A replaced by G.
Protein change: p.His218Arg; replaces histidine 218 with arginine.
Molecular consequence: missense variant. On other transcripts: non-coding transcript variant (1).
Genome position (GRCh38, 1-based): chr7:130,400,811, T>C on the plus strand (A>G on the coding strand, the complement: CEP41 is on the minus strand). VCF-style: chr7-130400811-T-C. GRCh37 (hg19) VCF-style: chr7-130040652-T-C.
Other names: c.653A>G, p.His218Arg (NM_001257158.2); c.605A>G, p.His202Arg (NM_001257159.2); short protein forms H202R, H218R.
Identifiers: ClinVar variation 1378816 (VCV001378816.6), dbSNP rs527896814, ClinGen allele CA4485497.
Genomic context (GRCh38, chr7:130,400,811, plus strand): 5'-GTGGTGGCCGCCTGACTGGCCAGCCTTTCATCATCGTCATACAGAATGATGATCTTGCCA[T>C]GGGCATTTTTCTAAGAGTCAGATGAGTTAAGGTTCCAAGGCACTGGGCTGATGTCCCAAG-3'
Protein context (NP_061188.1, residues 208-228): SNDILEYKNA[His218Arg]GKIIILYDDD

ClinVar aggregate classification (germline): Uncertain significance (1 of 4 stars; one submission).

Conditions:
Joubert syndrome 15 (JBTS15). Identifiers: Orphanet 475, MedGen C3280897, MONDO:0013763, OMIM 614464.

Allele frequency attached by ClinVar (database versions not stated): 1000 Genomes Project 30x 0.00016; 1000 Genomes Project 0.00020.
gnomAD v4.1: 44 of 1,609,932 alleles (0.0027%); highest among the groups gnomAD compares: South Asian, 0.044%; no homozygotes.

Submission:

Labcorp Genetics (formerly Invitae), Labcorp
Classification: Uncertain significance for Joubert syndrome 15. Last evaluated: 2025-02-27. Review status: criteria provided, single submitter. Criteria: Invitae Variant Classification Sherloc (09022015). Collection method: clinical testing. Allele origin: germline.
Comment: This sequence change replaces histidine, which is basic and polar, with arginine, which is basic and polar, at codon 218 of the CEP41 protein (p.His218Arg). This variant is present in population databases (rs527896814, gnomAD 0.06%). This variant has not been reported in the literature in individuals affected with CEP41-related conditions. ClinVar contains an entry for this variant (Variation ID: 1378816). Invitae Evidence Modeling of protein sequence and biophysical properties (such as structural, functional, and spatial information, amino acid conservation, physicochemical variation, residue mobility, and thermodynamic stability) indicates that this missense variant is not expected to disrupt CEP41 protein function with a negative predictive value of 80%. In summary, the available evidence is currently insufficient to determine the role of this variant in disease. Therefore, it has been classified as a Variant of Uncertain Significance.